The following is an entry in ClinVar:

NM_003265.3(TLR3):c.287A>G (p.Gln96Arg)

Gene: TLR3 (toll like receptor 3; plus strand). Cytogenetic location: 4q35.1.
Variant type: single nucleotide variant.
Coding change: c.287A>G on transcript NM_003265.3 (MANE Select); coding-DNA position 287, A replaced by G.
Protein change: p.Gln96Arg; replaces glutamine 96 with arginine.
Molecular consequence: missense variant.
Genome position (GRCh38, 1-based): chr4:186,076,906, A>G. VCF-style: chr4-186076906-A-G. GRCh37 (hg19) VCF-style: chr4-186998060-A-G.
Other names: c.287A>G (NM_003265.2); short protein forms Q96R.
Identifiers: ClinVar variation 1413603 (VCV001413603.9), dbSNP rs1407442968, ClinGen allele CA359107702.

ClinVar aggregate classification (germline): Uncertain significance. Review status: criteria provided, multiple submitters, no conflicts (2 of 4 stars). 2 submissions from 2 submitters: Uncertain significance (2). Last evaluated 2025-10-07.

Conditions:
Encephalopathy, acute, infection-induced (herpes-specific), susceptibility to, 1. Also called: Herpes simplex encephalitis, susceptibility to, 1. Identifiers: Orphanet 1930, MedGen C2750180, MONDO:0024563, OMIM 610551.

Allele frequency attached by ClinVar (database versions not stated): gnomAD exomes below 0.00001.
gnomAD v4.1: 4 of 1,614,228 alleles (0.00025%); highest among the groups gnomAD compares: Non-Finnish European, 0.00034%; no homozygotes.

Submissions (2):

Ambry Genetics
Classification: Uncertain significance. Last evaluated: 2025-10-07. Review status: criteria provided, single submitter. Criteria: Ambry Variant Classification Scheme 2023. Collection method: clinical testing. Allele origin: germline.

Labcorp Genetics (formerly Invitae), Labcorp
Classification: Uncertain significance for Encephalopathy, acute, infection-induced (herpes-specific), susceptibility to, 1. Last evaluated: 2025-07-30. Review status: criteria provided, single submitter. Criteria: Invitae Variant Classification Sherloc (09022015). Collection method: clinical testing. Allele origin: germline.
Comment: This sequence change replaces glutamine, which is neutral and polar, with arginine, which is basic and polar, at codon 96 of the TLR3 protein (p.Gln96Arg). This variant is present in population databases (no rsID available, gnomAD 0.0009%). This variant has not been reported in the literature in individuals affected with TLR3-related conditions. ClinVar contains an entry for this variant (Variation ID: 1413603). An algorithm developed to predict the effect of missense changes on protein structure and function (PolyPhen-2) suggests that this variant is likely to be tolerated. In summary, the available evidence is currently insufficient to determine the role of this variant in disease. Therefore, it has been classified as a Variant of Uncertain Significance.